The following is an entry in ClinVar:

NM_004006.3(DMD):c.3550G>T (p.Asp1184Tyr)

Gene: DMD (dystrophin; minus strand). Cytogenetic location: Xp21.1.
Variant type: single nucleotide variant.
Coding change: c.3550G>T on transcript NM_004006.3 (MANE Select); coding-DNA position 3550, G replaced by T.
Protein change: p.Asp1184Tyr; replaces aspartic acid 1184 with tyrosine.
Molecular consequence: missense variant.
Genome position (GRCh38, 1-based): chrX:32,454,715, C>A on the plus strand (G>T on the coding strand, the complement: DMD is on the minus strand). VCF-style: chrX-32454715-C-A. GRCh37 (hg19) VCF-style: chrX-32472832-C-A.
Other names: c.3526G>T, p.Asp1176Tyr (NM_000109.4); c.3538G>T, p.Asp1180Tyr (NM_004009.3); c.3181G>T, p.Asp1061Tyr (NM_004010.3); short protein forms D1184Y, D1061Y, D1180Y, D1176Y.
Identifiers: ClinVar variation 4824036 (VCV004824036.1).
Genomic context (GRCh38, chrX:32,454,715, plus strand): 5'-TTTTTACCTTCATCTCTTCAACTGCTTTCTGTAATTCATCTGGAGTTTTATATTCAAAAT[C>A]TCTCTCAAGATACTCTTCTTCAGCTTGTGTCATCCATTCGTGCATCTCTGATAGATCTTT-3'
Protein context (NP_003997.2, residues 1174-1194): TQAEEEYLER[Asp1184Tyr]FEYKTPDELQ

ClinVar aggregate classification (germline): Uncertain significance (1 of 4 stars; one submission).

Conditions:
Cardiovascular phenotype. Identifiers: MedGen CN230736.

Submission:

Ambry Genetics
Classification: Uncertain significance for Cardiovascular phenotype. Last evaluated: 2026-01-23. Review status: criteria provided, single submitter. Criteria: Ambry Variant Classification Scheme 2023. Collection method: clinical testing. Allele origin: germline.
Comment: The p.D1184Y variant (also known as c.3550G>T), located in coding exon 26 of the DMD gene, results from a G to T substitution at nucleotide position 3550. The aspartic acid at codon 1184 is replaced by tyrosine, an amino acid with highly dissimilar properties. This amino acid position is highly conserved in available vertebrate species. In addition, this alteration is predicted to be tolerated by in silico analysis. Based on the available evidence, the clinical significance of this variant remains unclear.